The following is an entry in ClinVar:

ClinVar aggregate classification (germline): Uncertain significance (1 of 4 stars; one submission).

gnomAD v4.1: 2 of 1,613,854 alleles (0.00012%); highest among the groups gnomAD compares: Non-Finnish European, 0.00017%; no homozygotes.

Submission:

CeGaT Center for Human Genetics Tuebingen
Classification: Uncertain significance. Last evaluated: 2025-10-01. Review status: criteria provided, single submitter. Criteria: CeGaT Center For Human Genetics Tuebingen Variant Classification Criteria Version 2. Collection method: clinical testing. Allele origin: germline. Affected: yes. Observed: 1 variant allele.
Comment: CAMTA1: PM2:Supporting, PP3

NM_015215.4(CAMTA1):c.4606C>G (p.Arg1536Gly)

Gene: CAMTA1 (calmodulin binding transcription activator 1; plus strand). Cytogenetic location: 1p36.23.
Variant type: single nucleotide variant.
Coding change: c.4606C>G on transcript NM_015215.4 (MANE Select); coding-DNA position 4606, C replaced by G.
Protein change: p.Arg1536Gly; replaces arginine 1536 with glycine.
Molecular consequence: missense variant.
Genome position (GRCh38, 1-based): chr1:7,746,080, C>G. VCF-style: chr1-7746080-C-G. GRCh37 (hg19) VCF-style: chr1-7806140-C-G.
Other names: c.4516C>G, p.Arg1506Gly (NM_001349608.2); c.4267C>G, p.Arg1423Gly (NM_001349609.2, NM_001349610.2, NM_001410737.1); c.4177C>G, p.Arg1393Gly (NM_001349612.2); c.1735C>G, p.Arg579Gly (NM_001349613.1); c.1678C>G, p.Arg560Gly (NM_001349614.1, NM_001349615.2, NM_001349616.2 and 2 more transcripts); c.1339C>G, p.Arg447Gly (NM_001349619.2, NM_001349620.1, NM_001349621.1 and 5 more transcripts); c.4195C>G, p.Arg1399Gly (NM_001410738.1); short protein forms R1393G, R1399G, R1423G, R1506G, R1536G, R447G, R560G, R579G.
Identifiers: ClinVar variation 4534854 (VCV004534854.6).
Genomic context (GRCh38, chr1:7,746,080, plus strand): 5'-CTGTCTGATCATGAACAGAGAGAACTCTATGAGGCTGCCAGGCTTGTCCAGACAGCTTTC[C>G]GGAAATACAAGGTAAACTAGAACAGAACCTTCGTTTTGTGACATTCTTAAGATCAGAGAG-3'
Protein context (NP_056030.1, residues 1526-1546): EAARLVQTAF[Arg1536Gly]KYKGRPLREQ